The following is an entry in ClinVar:

ClinVar aggregate classification (germline): Likely benign (0 of 4 stars; one submission).

Conditions:
CYP7A1-related disorder. Also called: CYP7A1-related condition.

Allele frequency attached by ClinVar (database versions not stated): gnomAD 0.00001; TOPMed 0.00002; gnomAD exomes 0.00006.
gnomAD v4.1: 89 of 1,608,716 alleles (0.0055%); highest among the groups gnomAD compares: Non-Finnish European, 0.0074%; no homozygotes.

Submission:

PreventionGenetics, part of Exact Sciences
Classification: Likely benign for CYP7A1-related condition. Last evaluated: 2021-12-14. Review status: no assertion criteria provided. Collection method: clinical testing. Allele origin: germline.
Comment: This variant is classified as likely benign based on ACMG/AMP sequence variant interpretation guidelines (Richards et al. 2015 PMID: 25741868, with internal and published modifications).

NM_000780.4(CYP7A1):c.474C>T (p.Ser158=)

Gene: CYP7A1 (cytochrome P450 family 7 subfamily A member 1; minus strand). Cytogenetic location: 8q12.1.
Variant type: single nucleotide variant.
Coding change: c.474C>T on transcript NM_000780.4 (MANE Select); coding-DNA position 474, C replaced by T.
Protein change: p.Ser158=; no amino-acid change (serine 158 retained).
Molecular consequence: synonymous variant.
Genome position (GRCh38, 1-based): chr8:58,497,038, G>A on the plus strand (C>T on the coding strand, the complement: CYP7A1 is on the minus strand). VCF-style: chr8-58497038-G-A. GRCh37 (hg19) VCF-style: chr8-59409597-G-A.
Identifiers: ClinVar variation 3035669 (VCV003035669.2), dbSNP rs1481940948, ClinGen allele CA461103077.